The following is an entry in ClinVar:

NM_000419.5(ITGA2B):c.2384A>C (p.Glu795Ala)

Gene: ITGA2B (integrin subunit alpha 2b; minus strand). Cytogenetic location: 17q21.31.
Variant type: single nucleotide variant.
Coding change: c.2384A>C on transcript NM_000419.5 (MANE Select); coding-DNA position 2384, A replaced by C.
Protein change: p.Glu795Ala; replaces glutamic acid 795 with alanine.
Molecular consequence: missense variant.
Genome position (GRCh38, 1-based): chr17:44,376,149, T>G on the plus strand (A>C on the coding strand, the complement: ITGA2B is on the minus strand). VCF-style: chr17-44376149-T-G. GRCh37 (hg19) VCF-style: chr17-42453517-T-G.
Other names: short protein forms E795A.
Identifiers: ClinVar variation 2691622 (VCV002691622.2), dbSNP rs148780348, ClinGen allele CA8602700.

ClinVar aggregate classification (germline): Uncertain significance. Review status: criteria provided, multiple submitters, no conflicts (2 of 4 stars). 2 submissions from 2 submitters: Uncertain significance (2). Last evaluated 2023-12-12.

Conditions:
Inborn genetic diseases. Identifiers: MedGen C0950123, MeSH D030342.

Allele frequency attached by ClinVar (database versions not stated): ExAC 0.00003; TOPMed 0.00006; gnomAD 0.00008; ESP Exome Variant Server 0.00015.
gnomAD v4.1: 33 of 1,614,166 alleles (0.002%); highest among the groups gnomAD compares: African/African-American, 0.0067%; no homozygotes.

Submissions (2):

Women's Health and Genetics/Laboratory Corporation of America, LabCorp
Classification: Uncertain significance. Last evaluated: 2023-12-12. Review status: criteria provided, single submitter. Criteria: LabCorp Variant Classification Summary - May 2015. Collection method: clinical testing. Allele origin: germline.
Comment: Variant summary: ITGA2B c.2384A>C (p.Glu795Ala) results in a non-conservative amino acid change located in the Integrin alpha, third immunoglobulin-like domain (IPR048286) of the encoded protein sequence. Four of five in-silico tools predict a benign effect of the variant on protein function. The variant allele was found at a frequency of 2.8e-05 in 251428 control chromosomes. The available data on variant occurrences in the general population are insufficient to allow any conclusion about variant significance. To our knowledge, no occurrence of c.2384A>C in individuals affected with ITGA2B-Related Disorders and no experimental evidence demonstrating its impact on protein function have been reported. No submitters have cited clinical-significance assessments for this variant to ClinVar after 2014. Based on the evidence outlined above, the variant was classified as uncertain significance.

Ambry Genetics
Classification: Uncertain significance for Inborn genetic diseases. Last evaluated: 2022-08-26. Review status: criteria provided, single submitter. Criteria: Ambry Variant Classification Scheme 2023. Collection method: clinical testing. Allele origin: germline.